The following is an entry in ClinVar:

ClinVar aggregate classification (germline): Uncertain significance (1 of 4 stars; one submission).

Submission:

Labcorp Genetics (formerly Invitae), Labcorp
Classification: Uncertain significance. Last evaluated: 2022-03-27. Review status: criteria provided, single submitter. Criteria: Invitae Variant Classification Sherloc (09022015). Collection method: clinical testing. Allele origin: germline.
Comment: In summary, the available evidence is currently insufficient to determine the role of this variant in disease. Therefore, it has been classified as a Variant of Uncertain Significance. Algorithms developed to predict the effect of missense changes on protein structure and function (SIFT, PolyPhen-2, Align-GVGD) all suggest that this variant is likely to be tolerated. This variant has not been reported in the literature in individuals affected with DHX32-related conditions. This variant is not present in population databases (gnomAD no frequency). This sequence change replaces glutamine, which is neutral and polar, with lysine, which is basic and polar, at codon 252 of the DHX32 protein (p.Gln252Lys).

NM_018180.3(DHX32):c.754C>A (p.Gln252Lys)

Gene: DHX32 (DEAH-box helicase 32 (putative); minus strand). Cytogenetic location: 10q26.2.
Variant type: single nucleotide variant.
Coding change: c.754C>A on transcript NM_018180.3 (MANE Select); coding-DNA position 754, C replaced by A.
Protein change: p.Gln252Lys; replaces glutamine 252 with lysine.
Molecular consequence: missense variant.
Genome position (GRCh38, 1-based): chr10:125,859,698, G>T on the plus strand (C>A on the coding strand, the complement: DHX32 is on the minus strand). VCF-style: chr10-125859698-G-T. GRCh37 (hg19) VCF-style: chr10-127548267-G-T.
Other names: short protein forms Q252K.
Identifiers: ClinVar variation 2118039 (VCV002118039.4), dbSNP rs2494436137, ClinGen allele CA378678315.